The following is an entry in ClinVar:

ClinVar aggregate classification (germline): Uncertain significance (1 of 4 stars; one submission).

Conditions:
PKD1L1-related disorder. Also called: PKD1L1-related condition.

gnomAD v4.1: 4 of 1,613,834 alleles (0.00025%); highest among the groups gnomAD compares: Admixed American, 0.0033%; no homozygotes.

Submission:

PreventionGenetics, part of Exact Sciences
Classification: Uncertain significance for PKD1L1-related condition. Last evaluated: 2025-04-02. Review status: criteria provided, single submitter. Criteria: ACMG Guidelines, 2015. Collection method: clinical testing. Allele origin: germline.
Comment: The PKD1L1 c.3875A>G variant is predicted to result in the amino acid substitution p.Asn1292Ser. To our knowledge, this variant has not been reported in the literature or in a large population database (gnomAD), indicating this variant is rare. At this time, the clinical significance of this variant is uncertain due to the absence of conclusive functional and genetic evidence.

NM_138295.5(PKD1L1):c.3875A>G (p.Asn1292Ser)

Gene: PKD1L1 (polycystin 1 like 1, transient receptor potential channel interacting; minus strand). Cytogenetic location: 7p12.3.
Variant type: single nucleotide variant.
Coding change: c.3875A>G on transcript NM_138295.5 (MANE Select); coding-DNA position 3875, A replaced by G.
Protein change: p.Asn1292Ser; replaces asparagine 1292 with serine.
Molecular consequence: missense variant.
Genome position (GRCh38, 1-based): chr7:47,873,920, T>C on the plus strand (A>G on the coding strand, the complement: PKD1L1 is on the minus strand). VCF-style: chr7-47873920-T-C. GRCh37 (hg19) VCF-style: chr7-47913518-T-C.
Other names: short protein forms N1292S.
Identifiers: ClinVar variation 4986899 (VCV004986899.1).